The following is an entry in ClinVar:

ClinVar aggregate classification (germline): Uncertain significance (1 of 4 stars; one submission).

Submission:

Athena Diagnostics
Classification: Uncertain significance. Last evaluated: 2025-01-10. Review status: criteria provided, single submitter. Criteria: Athena Diagnostics Criteria. Collection method: clinical testing. Allele origin: unknown.
Comment: Available data are insufficient to determine the clinical significance of the variant at this time. This variant has not been reported in large, multi-ethnic general populations. Computational tools yielded predictions that this variant is unlikely to have an effect on normal RNA splicing.

NM_000545.8(HNF1A):c.*20G>A

Genes: C12orf43 (chromosome 12 open reading frame 43; minus strand), HNF1A (HNF1 homeobox A; plus strand). Cytogenetic location: 12q24.31.
Variant type: single nucleotide variant.
Coding change: c.*20G>A on transcript NM_000545.8 (MANE Select); 20 bases downstream of the stop codon, G replaced by A.
Molecular consequence: 3 prime UTR variant.
Genome position (GRCh38, 1-based): chr12:121,001,212, G>A. VCF-style: chr12-121001212-G-A. GRCh37 (hg19) VCF-style: chr12-121439015-G-A.
Other names: c.*2941C>T (NM_001286191.2, NM_001286196.2, NM_022895.3); c.*20G>A (NM_001306179.2, NM_001406915.1).
Identifiers: ClinVar variation 4682369 (VCV004682369.1).
Genomic context (GRCh38, chr12:121,001,212, plus strand): 5'-AGACCTTCATCTCCACCCAGATGGCCTCTTCCTCCCAGTAACCACGGCACCTGGGCCCTG[G>A]GGCCTGTACTGCCTGCTTGGGGGGTGATGAGGGCAGCAGCCAGCCCTGCCTGGAGGACCT-3'